The following is an entry in ClinVar:

ClinVar aggregate classification (germline): Uncertain significance (1 of 4 stars; one submission).

Conditions:
Paget disease of bone 2, early-onset (PDB2). Also called: Paget disease of bone 2. Identifiers: MedGen C4085251, MONDO:0011183, OMIM 602080.
Frontotemporal dementia and/or amyotrophic lateral sclerosis 1 (FTDALS1). Also called: C9orf72 Frontotemporal Dementia and/or Amyotrophic Lateral Sclerosis; Frontotemporal dementia with motor neuron disease 1. Identifiers: Orphanet 275872, MedGen C5779877, MONDO:0007105, OMIM 105550.

Submission:

Labcorp Genetics (formerly Invitae), Labcorp
Classification: Uncertain significance for Paget disease of bone 2, early-onset; Frontotemporal dementia and/or amyotrophic lateral sclerosis 1. Last evaluated: 2022-03-04. Review status: criteria provided, single submitter. Criteria: Invitae Variant Classification Sherloc (09022015). Collection method: clinical testing. Allele origin: germline.
Comment: In summary, the available evidence is currently insufficient to determine the role of this variant in disease. Therefore, it has been classified as a Variant of Uncertain Significance. Algorithms developed to predict the effect of missense changes on protein structure and function (SIFT, PolyPhen-2, Align-GVGD) all suggest that this variant is likely to be tolerated. This variant has not been reported in the literature in individuals affected with SQSTM1-related conditions. This variant is not present in population databases (gnomAD no frequency). This sequence change replaces asparagine, which is neutral and polar, with threonine, which is neutral and polar, at codon 330 of the SQSTM1 protein (p.Asn330Thr).

NM_003900.5(SQSTM1):c.989A>C (p.Asn330Thr)

Gene: SQSTM1 (sequestosome 1; plus strand). Cytogenetic location: 5q35.3.
Variant type: single nucleotide variant.
Coding change: c.989A>C on transcript NM_003900.5 (MANE Select); coding-DNA position 989, A replaced by C.
Protein change: p.Asn330Thr; replaces asparagine 330 with threonine.
Molecular consequence: missense variant.
Genome position (GRCh38, 1-based): chr5:179,833,606, A>C. VCF-style: chr5-179833606-A-C. GRCh37 (hg19) VCF-style: chr5-179260606-A-C.
Other names: c.737A>C, p.Asn246Thr (NM_001142298.2, NM_001142299.2); short protein forms N246T, N330T.
Identifiers: ClinVar variation 2106294 (VCV002106294.4), dbSNP rs2480247407, ClinGen allele CA362452381.